The following is an entry in ClinVar:

NM_198253.3(TERT):c.2257G>A (p.Gly753Arg)

Gene: TERT (telomerase reverse transcriptase; minus strand). Cytogenetic location: 5p15.33.
Variant type: single nucleotide variant.
Coding change: c.2257G>A on transcript NM_198253.3 (MANE Select); coding-DNA position 2257, G replaced by A.
Protein change: p.Gly753Arg; replaces glycine 753 with arginine.
Molecular consequence: missense variant. On other transcripts: non-coding transcript variant (2).
Genome position (GRCh38, 1-based): chr5:1,278,670, C>T on the plus strand (G>A on the coding strand, the complement: TERT is on the minus strand). VCF-style: chr5-1278670-C-T. GRCh37 (hg19) VCF-style: chr5-1278785-C-T.
Other names: c.2257G>A, p.Gly753Arg (NM_001193376.3); short protein forms G753R.
Identifiers: ClinVar variation 3748741 (VCV003748741.3).

ClinVar aggregate classification (germline): Uncertain significance. Review status: criteria provided, multiple submitters, no conflicts (2 of 4 stars). 2 submissions from 2 submitters: Uncertain significance (2). Last evaluated 2025-12-22.

Conditions:
Dyskeratosis congenita, autosomal dominant 2. Identifiers: MedGen C3151443, MONDO:0013521, OMIM 613989.
Idiopathic Pulmonary Fibrosis. Also called: Idiopathic fibrosing alveolitis, chronic form; idiopathic fibrosing alveolitis. Identifiers: Orphanet 2032, MedGen C1800706, MeSH D054990, MONDO:0800504.
Dyskeratosis congenita. Identifiers: Orphanet 1775, MedGen C0265965, MONDO:0015780.

Submissions (2):

Ambry Genetics
Classification: Uncertain significance for Dyskeratosis congenita. Last evaluated: 2025-12-22. Review status: criteria provided, single submitter. Criteria: Ambry Variant Classification Scheme 2023. Collection method: clinical testing. Allele origin: germline.
Comment: The p.G753R variant (also known as c.2257G>A), located in coding exon 6 of the TERT gene, results from a G to A substitution at nucleotide position 2257. The glycine at codon 753 is replaced by arginine, an amino acid with dissimilar properties. This amino acid position is conserved. In addition, this alteration is predicted to be deleterious by in silico analysis. Based on the available evidence, the clinical significance of this variant remains unclear.

Labcorp Genetics (formerly Invitae), Labcorp
Classification: Uncertain significance for Dyskeratosis congenita, autosomal dominant 2; Idiopathic Pulmonary Fibrosis. Last evaluated: 2024-09-25. Review status: criteria provided, single submitter. Criteria: Invitae Variant Classification Sherloc (09022015). Collection method: clinical testing. Allele origin: germline.
Comment: This sequence change replaces glycine, which is neutral and non-polar, with arginine, which is basic and polar, at codon 753 of the TERT protein (p.Gly753Arg). This variant is not present in population databases (gnomAD no frequency). This variant has not been reported in the literature in individuals affected with TERT-related conditions. Invitae Evidence Modeling of protein sequence and biophysical properties (such as structural, functional, and spatial information, amino acid conservation, physicochemical variation, residue mobility, and thermodynamic stability) indicates that this missense variant is expected to disrupt TERT protein function with a positive predictive value of 95%. In summary, the available evidence is currently insufficient to determine the role of this variant in disease. Therefore, it has been classified as a Variant of Uncertain Significance.